The following is an entry in ClinVar:

NM_004006.3(DMD):c.5009G>A (p.Trp1670Ter)

Gene: DMD (dystrophin; minus strand). Cytogenetic location: Xp21.1.
Variant type: single nucleotide variant.
Coding change: c.5009G>A on transcript NM_004006.3 (MANE Select); coding-DNA position 5009, G replaced by A.
Protein change: p.Trp1670Ter; replaces tryptophan 1670 with a stop codon.
Molecular consequence: nonsense.
Genome position (GRCh38, 1-based): chrX:32,365,036, C>T on the plus strand (G>A on the coding strand, the complement: DMD is on the minus strand). VCF-style: chrX-32365036-C-T. GRCh37 (hg19) VCF-style: chrX-32383153-C-T.
Other names: c.4985G>A, p.Trp1662Ter (NM_000109.4); c.4997G>A, p.Trp1666Ter (NM_004009.3); c.4640G>A, p.Trp1547Ter (NM_004010.3); c.986G>A, p.Trp329Ter (NM_004011.4); c.977G>A, p.Trp326Ter (NM_004012.4); short protein forms W1547*, W1662*, W1666*, W1670*, W326*, W329*.
Identifiers: ClinVar variation 1322717 (VCV001322717.6), dbSNP rs2147258786, ClinGen allele CA412671784.
Genomic context (GRCh38, chrX:32,365,036, plus strand): 5'-TCGTGACAGAGAAGGGTGTAAAAGCTTCTAGCCTTTTCTCTTACCAACAAAAGATTTAAC[C>T]ACTCTTCTGCTCGGGAGGTGACAGCTATCCAGTTACTATTCAGAAGACTGAGTTTATCTT-3'

ClinVar aggregate classification (germline): Pathogenic (1 of 4 stars; one submission).

Conditions:
Duchenne muscular dystrophy (DMD). Also called: MUSCULAR DYSTROPHY, PSEUDOHYPERTROPHIC PROGRESSIVE, DUCHENNE TYPE; Duchenne Muscular Dystrophy (DMD). Identifiers: Orphanet 98896, MedGen C0013264, MONDO:0010679, OMIM 310200.

Submission:

Labcorp Genetics (formerly Invitae), Labcorp
Classification: Pathogenic for Duchenne muscular dystrophy. Last evaluated: 2022-09-21. Review status: criteria provided, single submitter. Criteria: Invitae Variant Classification Sherloc (09022015). Collection method: clinical testing. Allele origin: germline.
Comment: This sequence change creates a premature translational stop signal (p.Trp1670*) in the DMD gene. It is expected to result in an absent or disrupted protein product. Loss-of-function variants in DMD are known to be pathogenic (PMID: 16770791, 25007885). For these reasons, this variant has been classified as Pathogenic. ClinVar contains an entry for this variant (Variation ID: 1322717). This premature translational stop signal has been observed in individual(s) with DMD-related muscular dystrophy (PMID: 16049303, 23440719). This variant is not present in population databases (gnomAD no frequency).

Literature cited by the submitters: PubMed 16770791; PubMed 25007885; PubMed 16049303; PubMed 23440719.